The following is an entry in ClinVar:

NM_000548.5(TSC2):c.4914G>T (p.Lys1638Asn)

Gene: TSC2 (TSC complex subunit 2; plus strand). Cytogenetic location: 16p13.3.
Variant type: single nucleotide variant.
Coding change: c.4914G>T on transcript NM_000548.5 (MANE Select); coding-DNA position 4914, G replaced by T.
Protein change: p.Lys1638Asn; replaces lysine 1638 with asparagine.
Molecular consequence: missense variant.
Genome position (GRCh38, 1-based): chr16:2,086,796, G>T. VCF-style: chr16-2086796-G-T. GRCh37 (hg19) VCF-style: chr16-2136797-G-T.
Other names: c.4713G>T, p.Lys1571Asn (NM_001077183.3); c.4845G>T, p.Lys1615Asn (NM_001114382.3); c.4605G>T, p.Lys1535Asn (NM_001318827.2); c.4569G>T, p.Lys1523Asn (NM_001318829.2); c.4182G>T, p.Lys1394Asn (NM_001318831.2); c.4746G>T, p.Lys1582Asn (NM_001318832.2); c.4716G>T, p.Lys1572Asn (NM_001363528.2); c.4782G>T, p.Lys1594Asn (NM_001370404.1); and 1 more; short protein forms K1638N, K1572N, K1595N, K1523N, K1571N, K1615N, K1394N, K1535N.
Identifiers: ClinVar variation 569463 (VCV000569463.8), dbSNP rs137854094, ClinGen allele CA394308530.

ClinVar aggregate classification (germline): Uncertain significance. Review status: criteria provided, multiple submitters, no conflicts (2 of 4 stars). 3 submissions from 3 submitters: Uncertain significance (3). Last evaluated 2026-02-16.

Conditions:
Tuberous sclerosis syndrome (TSC). Also called: Tuberous Sclerosis Complex; Tuberous sclerosis. Identifiers: Orphanet 805, MedGen C0041341, MONDO:0001734.
Tuberous sclerosis 2 (TSC2). Identifiers: Orphanet 805, MedGen C1860707, MONDO:0013199, OMIM 613254.
Hereditary cancer-predisposing syndrome. Also called: Neoplastic Syndromes, Hereditary; Hereditary neoplastic syndrome; Tumor predisposition; Hereditary Cancer Syndrome. Identifiers: Orphanet 140162, MedGen C0027672, MeSH D009386, MONDO:0015356.

Submissions (3):

Ambry Genetics
Classification: Uncertain significance for Hereditary cancer-predisposing syndrome. Last evaluated: 2026-02-16. Review status: criteria provided, single submitter. Criteria: Ambry Variant Classification Scheme 2023. Collection method: clinical testing. Allele origin: germline.
Comment: The p.K1638N variant (also known as c.4914G>T), located in coding exon 37 of the TSC2 gene, results from a G to T substitution at nucleotide position 4914. The lysine at codon 1638 is replaced by asparagine, an amino acid with similar properties. This amino acid position is highly conserved in available vertebrate species. In addition, this alteration is predicted to be deleterious by in silico analysis. Based on the available evidence, the clinical significance of this variant remains unclear.

Labcorp Genetics (formerly Invitae), Labcorp
Classification: Uncertain significance for Tuberous sclerosis 2. Last evaluated: 2025-01-22. Review status: criteria provided, single submitter. Criteria: Invitae Variant Classification Sherloc (09022015). Collection method: clinical testing. Allele origin: germline.
Comment: This sequence change replaces lysine, which is basic and polar, with asparagine, which is neutral and polar, at codon 1638 of the TSC2 protein (p.Lys1638Asn). This variant is not present in population databases (gnomAD no frequency). This variant has not been reported in the literature in individuals affected with TSC2-related conditions. ClinVar contains an entry for this variant (Variation ID: 569463). Invitae Evidence Modeling of protein sequence and biophysical properties (such as structural, functional, and spatial information, amino acid conservation, physicochemical variation, residue mobility, and thermodynamic stability) has been performed for this missense variant. However, the output from this modeling did not meet the statistical confidence thresholds required to predict the impact of this variant on TSC2 protein function. In summary, the available evidence is currently insufficient to determine the role of this variant in disease. Therefore, it has been classified as a Variant of Uncertain Significance.

All of Us Research Program, National Institutes of Health
Classification: Uncertain significance for Tuberous sclerosis syndrome. Last evaluated: 2023-06-08. Review status: criteria provided, single submitter. Criteria: ACMG Guidelines, 2015. Collection method: clinical testing. Allele origin: germline. Inheritance: Autosomal dominant inheritance. Observed: 1 variant allele, 1 heterozygote.
Comment: This missense variant replaces lysine with asparagine at codon 1638 of the TSC2 protein. Computational prediction suggests that this variant may have deleterious impact on protein structure and function (internally defined REVEL score threshold >= 0.7, PMID: 27666373). To our knowledge, functional studies have not been reported for this variant. This variant has not been reported in individuals affected with TSC2-related disorders in the literature. This variant has not been identified in the general population by the Genome Aggregation Database (gnomAD). The available evidence is insufficient to determine the role of this variant in disease conclusively. Therefore, this variant is classified as a Variant of Uncertain Significance.

This study involves interpretation of variants in research participants for the purpose of population health screening. Participant phenotype was not available at the time of variant classification. Additional details can be found in publication PMID: 35346344, PMCID: PMC8962531